The following is an entry in ClinVar:

ClinVar aggregate classification (germline): Uncertain significance (1 of 4 stars; one submission).

Submission:

Labcorp Genetics (formerly Invitae), Labcorp
Classification: Uncertain significance. Last evaluated: 2022-03-22. Review status: criteria provided, single submitter. Criteria: Invitae Variant Classification Sherloc (09022015). Collection method: clinical testing. Allele origin: germline.
Comment: This variant is not present in population databases (gnomAD no frequency). This variant has not been reported in the literature in individuals affected with SKIV2L-related conditions. Experimental studies and prediction algorithms are not available or were not evaluated, and the functional significance of this variant is currently unknown. In summary, the available evidence is currently insufficient to determine the role of this variant in disease. Therefore, it has been classified as a Variant of Uncertain Significance. This variant, c.2265_2267dup, results in the insertion of 1 amino acid(s) of the SKIV2L protein (p.Arg756dup), but otherwise preserves the integrity of the reading frame.

NM_006929.5(SKIC2):c.2265_2267dup (p.Arg756_Val757insArg)

Gene: SKIC2 (SKI2 subunit of superkiller complex; plus strand). Cytogenetic location: 6p21.33.
Variant type: Duplication.
Coding change: c.2265_2267dup on transcript NM_006929.5 (MANE Select); coding-DNA positions 2265 to 2267, 3 bases duplicated (GCG; older notation c.2265_2267dupGCG).
Protein change: p.Arg756_Val757insArg.
Molecular consequence: inframe insertion.
Genome position (GRCh38, 1-based): chr6:31,966,771-31,966,773, GCG duplicated. VCF-style (leftmost placement, unchanged base first): chr6-31966770-T-TGCG. GRCh37 (hg19) VCF-style: chr6-31934547-T-TGCG.
Identifiers: ClinVar variation 2115713 (VCV002115713.4), dbSNP rs2482973164, ClinGen allele CA2580074311.